The following is an entry in ClinVar:

ClinVar aggregate classification (germline): Uncertain significance (1 of 4 stars; one submission).

Submission:

Labcorp Genetics (formerly Invitae), Labcorp
Classification: Uncertain significance. Last evaluated: 2024-01-06. Review status: criteria provided, single submitter. Criteria: Invitae Variant Classification Sherloc (09022015). Collection method: clinical testing. Allele origin: germline.
Comment: This sequence change creates a premature translational stop signal (p.Glu57*) in the KCNK4 gene. It is expected to result in an absent or disrupted protein product. However, the current clinical and genetic evidence is not sufficient to establish whether loss-of-function variants in KCNK4 cause disease. This variant is not present in population databases (gnomAD no frequency). This variant has not been reported in the literature in individuals affected with KCNK4-related conditions. In summary, the available evidence is currently insufficient to determine the role of this variant in disease. Therefore, it has been classified as a Variant of Uncertain Significance.

NM_033310.3(KCNK4):c.169G>T (p.Glu57Ter)

Genes: KCNK4 (potassium two pore domain channel subfamily K member 4; plus strand), KCNK4-CATSPERZ (KCNK4-CATSPERZ readthrough (NMD candidate); plus strand). Cytogenetic location: 11q13.1.
Variant type: single nucleotide variant.
Coding change: c.169G>T on transcript NM_033310.3 (MANE Select); coding-DNA position 169, G replaced by T.
Protein change: p.Glu57Ter; replaces glutamic acid 57 with a stop codon.
Molecular consequence: nonsense. On other transcripts: non-coding transcript variant (2).
Genome position (GRCh38, 1-based): chr11:64,293,187, G>T. VCF-style: chr11-64293187-G-T. GRCh37 (hg19) VCF-style: chr11-64060659-G-T.
Other names: c.169G>T, p.Glu57Ter (NM_001317090.2, NM_033311.1); short protein forms E57*.
Identifiers: ClinVar variation 2762158 (VCV002762158.3), dbSNP rs2034682909, ClinGen allele CA381158746.